The following is an entry in ClinVar:

Conditions:
Arteriohepatic dysplasia. Also called: Alagille Syndrome. Identifiers: Orphanet 52, MedGen C0085280, MeSH D016738, MONDO:0007318.

Submission:

Gilbert/Spinner Lab, Children's Hospital of Philadelphia
No classification provided (evidence only). Condition: Alagille syndrome. Review status: no classification provided. Collection method: research. Allele origin: not applicable. Functional consequence: functionally_abnormal.
ClinVar note: "not provided" was previously submitted as the classification for the variant. However, the classification appeared to be based only on an observation of functional data so it was converted to no classification on 2025-07-30.

NM_000214.3(JAG1):c.766G>C (p.Gly256Arg)

Gene: JAG1 (jagged canonical Notch ligand 1; minus strand). Cytogenetic location: 20p12.2.
Variant type: single nucleotide variant.
Coding change: c.766G>C on transcript NM_000214.3 (MANE Select); coding-DNA position 766, G replaced by C.
Protein change: p.Gly256Arg; replaces glycine 256 with arginine.
Molecular consequence: missense variant.
Genome position (GRCh38, 1-based): chr20:10,652,588, C>G on the plus strand (G>C on the coding strand, the complement: JAG1 is on the minus strand). VCF-style: chr20-10652588-C-G. GRCh37 (hg19) VCF-style: chr20-10633236-C-G.
Other names: short protein forms G256R.
Identifiers: ClinVar variation 3573367 (VCV003573367.2).